The following is an entry in ClinVar:

ClinVar aggregate classification (germline): Pathogenic/Likely pathogenic. Review status: criteria provided, multiple submitters, no conflicts (2 of 4 stars). 14 submissions from 14 submitters: Pathogenic (10); Likely pathogenic (3). 1 of the submissions does not count toward it. Last evaluated 2026-02-09.

Conditions:
PMM2-related disorder. Also called: PMM2-related condition.
Inborn genetic diseases. Identifiers: MedGen C0950123, MeSH D030342.
PMM2-congenital disorder of glycosylation. Also called: Congenital disorder of glycosylation, type Ia; JAEKEN SYNDROME; PHOSPHOMANNOMUTASE 2 DEFICIENCY; CDG Ia; PMM2-CDG; CARBOHYDRATE-DEFICIENT GLYCOPROTEIN SYNDROME, TYPE Ia. Identifiers: Orphanet 79318, MedGen C0349653, MONDO:0008907, OMIM 212065.

Allele frequency attached by ClinVar (database versions not stated): gnomAD 0.00013 and 0.00014; gnomAD exomes 0.00016 and 0.00063; TOPMed 0.00016; ExAC 0.00020; ESP Exome Variant Server 0.00046.
gnomAD v4.1: 873 of 1,544,316 alleles (0.057%); highest among the groups gnomAD compares: Non-Finnish European, 0.074%; no homozygotes.

Submissions 1 to 10 of 14:

PreventionGenetics, part of Exact Sciences
Classification: Pathogenic for PMM2-related condition. Last evaluated: 2026-02-09. Review status: criteria provided, single submitter. Criteria: ACMG Guidelines, 2015. Collection method: clinical testing. Allele origin: germline.
Comment: The PMM2 c.442G>A variant is predicted to result in the amino acid substitution p.Asp148Asn. This variant has been reported in patients with congenital disorder of glycosylation 1a (see, for example, Imtiaz et al. 2000. PubMed ID: 10801058; Westphal et al. 2001. PubMed ID: 11715002; Starosta et al. 2021. PubMed ID: 33413482; Francisco et al. 2020. PubMed ID: 32635232). This variant was also described, along with a second potentially causative variant, in an individual with abnormal transferrin isoforms (Schon et al. 2021. PubMed ID: 34732400, supplementary data), and in vitro functional data suggest that this variant results in a thermolabile enzyme (Westphal et al. 2001. PubMed ID: 11715002). This variant was also described in the compound heterozygous state, along with a promoter variant, in a patient with polycystic kidney disease and hyperinsulinemic hypoglycemia, an allelic disorder to classic CDG type 1a (Moreno Macian et al. 2020. PubMed ID: 32841164). This variant is reported in 0.030% of alleles in individuals of European (Non-Finnish) descent in gnomAD. This variant is interpreted as pathogenic.

Labcorp Genetics (formerly Invitae), Labcorp
Classification: Pathogenic for PMM2-congenital disorder of glycosylation. Last evaluated: 2026-01-20. Review status: criteria provided, single submitter. Criteria: Invitae Variant Classification Sherloc (09022015). Collection method: clinical testing. Allele origin: germline.
Comment: This sequence change replaces aspartic acid, which is acidic and polar, with asparagine, which is neutral and polar, at codon 148 of the PMM2 protein (p.Asp148Asn). This variant is present in population databases (rs148032587, gnomAD 0.03%). This missense change has been observed in individual(s) with PMM2-CDG (CDG-Ia) (PMID: 10801058, 11715002, 18203160). In at least one individual the data is consistent with being in trans (on the opposite chromosome) from a pathogenic variant. ClinVar contains an entry for this variant (Variation ID: 197659). Invitae Evidence Modeling of protein sequence and biophysical properties (such as structural, functional, and spatial information, amino acid conservation, physicochemical variation, residue mobility, and thermodynamic stability) indicates that this missense variant is expected to disrupt PMM2 protein function with a positive predictive value of 95%. Experimental studies have shown that this missense change affects PMM2 function (PMID: 11715002). For these reasons, this variant has been classified as Pathogenic.

Natera, Inc.
Classification: Pathogenic for Congenital disorder of glycosylation type 1a. Last evaluated: 2026-01-07. Review status: criteria provided, single submitter. Criteria: Natera Variant Classification Schema (03/2026). Collection method: clinical testing. Allele origin: germline.
Comment: The c.442G>A variant in PMM2 is a missense variant predicted to cause substitution of aspartic acid to asparagine at amino acid 148. This variant is rare in the general population with a frequency below the threshold expected for the associated phenotype(s). This variant has been observed in one or more individuals affected with the associated recessive disease, as either homozygous or compound heterozygous with a second variant (PMID: 10801058, 11715002). Given the available evidence, this variant is classified as Pathogenic.

Victorian Clinical Genetics Services, Murdoch Childrens Research Institute
Classification: Pathogenic for PMM2-congenital disorder of glycosylation. Last evaluated: 2024-10-11. Review status: criteria provided, single submitter. Criteria: ACMG Guidelines, 2015. Collection method: clinical testing. Allele origin: germline. Inheritance: Autosomal recessive inheritance. Affected: yes.
Comment: Based on the classification scheme VCGS_Germline_v1.3.5, this variant is classified as Pathogenic. Following criteria are met: 0102 - Loss of function is a known mechanism of disease in this gene and is associated with congenital disorder of glycosylation type Ia (MIM# 212065). (I) 0106 - This gene is associated with autosomal recessive disease. (I) 0115 - Variants in this gene are known to have variable expressivity. The clinical manifestations and course are highly variable, ranging from infants who pass away in the first year of life to mildly affected adults (PMID: 20301289). (I) 0200 - Variant is predicted to result in a missense amino acid change from aspartic acid to asparagine. (I) 0251 - This variant is heterozygous. (I) 0304 - Variant is present in gnomAD <0.01 for a recessive condition (873 heterozygotes, 0 homozygotes). (SP) 0501 - Missense variant consistently predicted to be damaging by multiple in silico tools or highly conserved with a major amino acid change. (SP) 0600 - Variant is located in the annotated PMM domain. (I) 0703 - Other missense variants comparable to the one identified in this case have moderate previous evidence for pathogenicity. p.(Asp148Tyr) has a single likely pathogenic report in ClinVar and p.(Asp148Met) has been identified in an affected individual (PMID: 18203160). (SP) 0801 - This variant has strong previous evidence of pathogenicity in unrelated individuals. This variant has many pathogenic and likely pathogenic reports and has been identified in multiple affected individuals (ClinVar). (I) Legend: (SP) - Supporting pathogenic, (I) - Information, (SB) - Supporting benign

Blueprint Genetics
Classification: Pathogenic for PMM2-related disorders. Last evaluated: 2024-09-14. Review status: criteria provided, single submitter. Criteria: ACMG Guidelines, 2015. Collection method: clinical testing. Allele origin: germline. Affected: yes. Observed: 5 variant alleles.

Fulgent Genetics
Classification: Likely pathogenic for PMM2-congenital disorder of glycosylation. Last evaluated: 2024-03-12. Review status: criteria provided, single submitter. Criteria: ACMG Guidelines, 2015. Collection method: clinical testing. Allele origin: germline.

Women's Health and Genetics/Laboratory Corporation of America, LabCorp
Classification: Pathogenic for PMM2-congenital disorder of glycosylation. Last evaluated: 2022-07-28. Review status: criteria provided, single submitter. Criteria: LabCorp Variant Classification Summary - May 2015. Collection method: clinical testing. Allele origin: germline.
Comment: Variant summary: PMM2 c.442G>A (p.Asp148Asn) results in a conservative amino acid change in the encoded protein sequence. Four of five in-silico tools predict a damaging effect of the variant on protein function. The variant allele was found at a frequency of 0.00016 in 176372 control chromosomes (gnomAD). This frequency is not significantly higher than expected for a pathogenic variant in PMM2 causing Congenital Disorder Of Glycosylation Type 1a (0.00016 vs 0.0056), allowing no conclusion about variant significance. c.442G>A has been reported in the literature in compound heterozygous individuals affected with Congenital Disorder Of Glycosylation Type 1a (Imtiaz_2000, Matthijs_2000, Westphal_2001, Franscisco_2020). These data indicate that the variant is likely to be associated with disease. At least one functional study reports the variant results in reducing enzyme activity (Westphal_2001). Eight Three ClinVar submitters (evaluation after 2014) cite the variant as pathogenic (n=6) and likely pathogenic (n=2). Based on the evidence outlined above, the variant was classified as pathogenic.

GeneDx
Classification: Pathogenic. Last evaluated: 2022-02-25. Review status: criteria provided, single submitter. Criteria: GeneDx Variant Classification Process June 2021. Collection method: clinical testing. Allele origin: germline. Affected: yes.
Comment: Published functional studies demonstrate a damaging effect (Westphal et al., 2001); In silico analysis supports that this missense variant has a deleterious effect on protein structure/function; This variant is associated with the following publications: (PMID: 26014514, 28425223, 18203160, 11715002, 25525159, 9140401, 10527672, 10602363, 10854097, 15844218, 21949237, 24498599, 26488408, 26805780, 28373276, 28492532, 11058895, 21811164, 11343337, 10801058, 32874916, 19176971, 31589614, 33413482, 32841164, 32635232)

Myriad Genetics, Inc.
Classification: Likely pathogenic for PMM2-congenital disorder of glycosylation. Last evaluated: 2021-11-09. Review status: criteria provided, single submitter. Criteria: Myriad Women's Health Autosomal Recessive and X-Linked Classification Criteria (2021). Collection method: clinical testing. Allele origin: unknown.
Comment: NM_000303.2(PMM2):c.442G>A(D148N) is a missense variant classified as likely pathogenic in the context of congenital disorder of glycosylation type Ia. D148N has been observed in cases with relevant disease (PMID: 18203160, 11715002, 10801058, 33413482, 32635232). Functional assessments of this variant are available in the literature (PMID: 11715002). D148N has been observed in population frequency databases (gnomAD: NFE 0.04%). In summary, NM_000303.2(PMM2):c.442G>A(D148N) is a missense variant that has been observed more frequently in cases with the relevant disease than in healthy populations. Please note: this variant was assessed in the context of healthy population screening.

Genetic Services Laboratory, University of Chicago
Classification: Likely pathogenic. Last evaluated: 2018-05-29. Review status: criteria provided, single submitter. Criteria: ACMG Guidelines, 2015. Collection method: clinical testing. Allele origin: germline. Affected: yes.

NM_000303.3(PMM2):c.442G>A (p.Asp148Asn)

Gene: PMM2 (phosphomannomutase 2; plus strand). Cytogenetic location: 16p13.2.
Variant type: single nucleotide variant.
Coding change: c.442G>A on transcript NM_000303.3 (MANE Select); coding-DNA position 442, G replaced by A.
Protein change: p.Asp148Asn; replaces aspartic acid 148 with asparagine.
Molecular consequence: missense variant.
Genome position (GRCh38, 1-based): chr16:8,811,173, G>A. VCF-style: chr16-8811173-G-A. GRCh37 (hg19) VCF-style: chr16-8905030-G-A.
Other names: short protein forms D148N.
Identifiers: ClinVar variation 197659 (VCV000197659.41), dbSNP rs148032587, ClinGen allele CA275299.